The following is an entry in ClinVar:

ClinVar aggregate classification (germline): Uncertain significance (1 of 4 stars; one submission).

Conditions:
Malignant hyperthermia, susceptibility to, 1 (MHS1). Also called: RYR1-Related Malignant Hyperthermia Susceptibility; Anesthesia related hyperthermia; Malignant hyperpyrexia; Fulminating hyperpyrexia; Pharmacogenic myopathy; Malignant hyperthermia suceptibility 1. Identifiers: Orphanet 423, MedGen C2930980, MONDO:0007783, OMIM 145600.

Submission:

All of Us Research Program, National Institutes of Health
Classification: Uncertain significance for Malignant hyperthermia, susceptibility to, 1. Last evaluated: 2024-05-14. Review status: criteria provided, single submitter. Criteria: ACMG Guidelines, 2015. Collection method: clinical testing. Allele origin: germline. Inheritance: Autosomal dominant inheritance. Observed: 3 variant alleles, 3 heterozygotes.
Comment: This missense variant replaces asparagine with serine at codon 3214 of the RYR1 protein. Computational prediction is inconclusive regarding the impact of this variant on protein structure and function (internally defined REVEL score threshold 0.5 < inconclusive < 0.7, PMID: 27666373). To our knowledge, functional studies have not been reported for this variant. This variant has not been reported in individuals affected with RYR1-related disorders in the literature. This variant has not been identified in the general population by the Genome Aggregation Database (gnomAD). The available evidence is insufficient to determine the role of this variant in disease conclusively. Therefore, this variant is classified as a Variant of Uncertain Significance.

This study involves interpretation of variants in research participants for the purpose of population health screening. Participant phenotype was not available at the time of variant classification. Additional details can be found in publication PMID: 35346344, PMCID: PMC8962531

NM_000540.3(RYR1):c.9641A>G (p.Asn3214Ser)

Gene: RYR1 (ryanodine receptor 1; plus strand). Cytogenetic location: 19q13.2.
Variant type: single nucleotide variant.
Coding change: c.9641A>G on transcript NM_000540.3 (MANE Select); coding-DNA position 9641, A replaced by G.
Protein change: p.Asn3214Ser; replaces asparagine 3214 with serine.
Molecular consequence: missense variant.
Genome position (GRCh38, 1-based): chr19:38,516,173, A>G. VCF-style: chr19-38516173-A-G. GRCh37 (hg19) VCF-style: chr19-39006813-A-G.
Other names: c.9641A>G, p.Asn3214Ser (NM_001042723.2); short protein forms N3214S.
Identifiers: ClinVar variation 3070194 (VCV003070194.2), dbSNP rs1970960299, ClinGen allele CA405690562.